The following is an entry in ClinVar:

ClinVar aggregate classification (germline): Uncertain significance. Review status: criteria provided, multiple submitters, no conflicts (2 of 4 stars). 2 submissions from 2 submitters: Uncertain significance (2). Last evaluated 2024-03-20.

Conditions:
Congenital myasthenic syndrome 17. Identifiers: Orphanet 590, MedGen C4225377, MONDO:0014578, OMIM 616304.
Cenani-Lenz syndactyly syndrome. Also called: CENANI SYNDACTYLISM; SYNDACTYLY, TYPE VII. Identifiers: Orphanet 3258, MedGen C1859309, MONDO:0008931, OMIM 212780.
Sclerosteosis 2 (SOST2). Identifiers: Orphanet 3152, MedGen C3280402, MONDO:0013679, OMIM 614305.
Inborn genetic diseases. Identifiers: MedGen C0950123, MeSH D030342.

Allele frequency attached by ClinVar (database versions not stated): gnomAD exomes 0.00001 and 0.00004; ExAC 0.00002; gnomAD 0.00002 and 0.00003; TOPMed 0.00003; 1000 Genomes Project 0.00020; 1000 Genomes Project 30x 0.00031.
gnomAD v4.1: 13 of 1,614,152 alleles (0.00081%); highest among the groups gnomAD compares: East Asian, 0.029%; no homozygotes.

Submissions (2):

Ambry Genetics
Classification: Uncertain significance for Inborn genetic diseases. Last evaluated: 2024-03-20. Review status: criteria provided, single submitter. Criteria: Ambry Variant Classification Scheme 2023. Collection method: clinical testing. Allele origin: germline.

Labcorp Genetics (formerly Invitae), Labcorp
Classification: Uncertain significance for Cenani-Lenz syndactyly syndrome; Sclerosteosis 2; Congenital myasthenic syndrome 17. Last evaluated: 2024-03-11. Review status: criteria provided, single submitter. Criteria: Invitae Variant Classification Sherloc (09022015). Collection method: clinical testing. Allele origin: germline.
Comment: This sequence change replaces aspartic acid, which is acidic and polar, with alanine, which is neutral and non-polar, at codon 1502 of the LRP4 protein (p.Asp1502Ala). This variant is present in population databases (rs200506943, gnomAD 0.06%). This variant has not been reported in the literature in individuals affected with LRP4-related conditions. ClinVar contains an entry for this variant (Variation ID: 467790). Advanced modeling of protein sequence and biophysical properties (such as structural, functional, and spatial information, amino acid conservation, physicochemical variation, residue mobility, and thermodynamic stability) performed at Invitae indicates that this missense variant is expected to disrupt LRP4 protein function with a positive predictive value of 80%. In summary, the available evidence is currently insufficient to determine the role of this variant in disease. Therefore, it has been classified as a Variant of Uncertain Significance.

NM_002334.4(LRP4):c.4505A>C (p.Asp1502Ala)

Genes: LRP4 (LDL receptor related protein 4; minus strand), LRP4-AS1 (LRP4 antisense RNA 1; plus strand). Cytogenetic location: 11p11.2.
Variant type: single nucleotide variant.
Coding change: c.4505A>C on transcript NM_002334.4 (MANE Select); coding-DNA position 4505, A replaced by C.
Protein change: p.Asp1502Ala; replaces aspartic acid 1502 with alanine.
Molecular consequence: missense variant. On other transcripts: non-coding transcript variant (1).
Genome position (GRCh38, 1-based): chr11:46,873,178, T>G on the plus strand (A>C on the coding strand, the complement: LRP4 is on the minus strand). VCF-style: chr11-46873178-T-G. GRCh37 (hg19) VCF-style: chr11-46894729-T-G.
Other names: short protein forms D1502A.
Identifiers: ClinVar variation 467790 (VCV000467790.10), dbSNP rs200506943, ClinGen allele CA5969314.
Genomic context (GRCh38, chr11:46,873,178, plus strand): 5'-AGGGTAAGGCCATTGGGCCAACCCAGGTCTGTGTTGATGAGGACCTTCCGCTCAGAACCA[T>G]CCAAGTTTGCCCGTTCGATCTTGGCAATGTGGCCCCAGTCTGTCCAGAAGAGGTACCTGA-3'
Protein context (NP_002325.2, residues 1492-1512): HIAKIERANL[Asp1502Ala]GSERKVLINT